The following is an entry in ClinVar:

NM_176824.3(BBS7):c.661A>T (p.Ile221Phe)

Gene: BBS7 (Bardet-Biedl syndrome 7; minus strand). Cytogenetic location: 4q27.
Variant type: single nucleotide variant.
Coding change: c.661A>T on transcript NM_176824.3 (MANE Select); coding-DNA position 661, A replaced by T.
Protein change: p.Ile221Phe; replaces isoleucine 221 with phenylalanine.
Molecular consequence: missense variant.
Genome position (GRCh38, 1-based): chr4:121,854,761, T>A on the plus strand (A>T on the coding strand, the complement: BBS7 is on the minus strand). VCF-style: chr4-121854761-T-A. GRCh37 (hg19) VCF-style: chr4-122775916-T-A.
Other names: c.661A>T, p.Ile221Phe (NM_018190.4); short protein forms I221F.
Identifiers: ClinVar variation 2634347 (VCV002634347.2), dbSNP rs751522255, ClinGen allele CA3064438.

ClinVar aggregate classification (germline): Uncertain significance (0 of 4 stars; one submission).

Conditions:
BBS7-related disorder. Also called: BBS7-related condition.

Allele frequency attached by ClinVar (database versions not stated): gnomAD 0.00001; TOPMed 0.00001.
gnomAD v4.1: 40 of 1,612,752 alleles (0.0025%); highest among the groups gnomAD compares: Non-Finnish European, 0.0034%; no homozygotes.

Submission:

PreventionGenetics, part of Exact Sciences
Classification: Uncertain significance for BBS7-related condition. Last evaluated: 2024-06-26. Review status: no assertion criteria provided. Collection method: clinical testing. Allele origin: germline.
Comment: The BBS7 c.661A>T variant is predicted to result in the amino acid substitution p.Ile221Phe. To our knowledge, this variant has not been reported in the literature. This variant is reported in 0.0035% of alleles in individuals of European (Non-Finnish) descent in gnomA. At this time, the clinical significance of this variant is uncertain due to the absence of conclusive functional and genetic evidence.